The following is an entry in ClinVar:

NM_199355.4(ADAMTS18):c.3418G>T (p.Gly1140Trp)

Genes: ADAMTS18 (ADAM metallopeptidase with thrombospondin type 1 motif 18; minus strand), LOC126862407 (CDK7 strongly-dependent group 2 enhancer GRCh37_chr16:77322970-77324169; plus strand). Cytogenetic location: 16q23.1.
Variant type: single nucleotide variant.
Coding change: c.3418G>T on transcript NM_199355.4 (MANE Select); coding-DNA position 3418, G replaced by T.
Protein change: p.Gly1140Trp; replaces glycine 1140 with tryptophan.
Molecular consequence: missense variant.
Genome position (GRCh38, 1-based): chr16:77,289,396, C>A on the plus strand (G>T on the coding strand, the complement: ADAMTS18 is on the minus strand). VCF-style: chr16-77289396-C-A. GRCh37 (hg19) VCF-style: chr16-77323293-C-A.
Other names: c.2902G>T, p.Gly968Trp (NM_001326358.2); c.3418G>T (NM_199355.2); short protein forms G968W, G1140W.
Identifiers: ClinVar variation 1394321 (VCV001394321.6), dbSNP rs751775332, ClinGen allele CA8180433.

ClinVar aggregate classification (germline): Uncertain significance. Review status: criteria provided, multiple submitters, no conflicts (2 of 4 stars). 2 submissions from 2 submitters: Uncertain significance (2). Last evaluated 2025-03-27.

Conditions:
Inborn genetic diseases. Identifiers: MedGen C0950123, MeSH D030342.

Allele frequency attached by ClinVar (database versions not stated): ExAC 0.00002.
gnomAD v4.1: 28 of 1,613,944 alleles (0.0017%); highest among the groups gnomAD compares: Admixed American, 0.015%; no homozygotes.

Submissions (2):

Ambry Genetics
Classification: Uncertain significance for Inborn genetic diseases. Last evaluated: 2025-03-27. Review status: criteria provided, single submitter. Criteria: Ambry Variant Classification Scheme 2023. Collection method: clinical testing. Allele origin: germline.

Labcorp Genetics (formerly Invitae), Labcorp
Classification: Uncertain significance. Last evaluated: 2022-06-27. Review status: criteria provided, single submitter. Criteria: Invitae Variant Classification Sherloc (09022015). Collection method: clinical testing. Allele origin: germline.
Comment: This sequence change replaces glycine, which is neutral and non-polar, with tryptophan, which is neutral and slightly polar, at codon 1140 of the ADAMTS18 protein (p.Gly1140Trp). This variant is present in population databases (rs751775332, gnomAD 0.02%). This variant has not been reported in the literature in individuals affected with ADAMTS18-related conditions. Algorithms developed to predict the effect of missense changes on protein structure and function are either unavailable or do not agree on the potential impact of this missense change (SIFT: "Not Available"; PolyPhen-2: "Probably Damaging"; Align-GVGD: "Not Available"). In summary, the available evidence is currently insufficient to determine the role of this variant in disease. Therefore, it has been classified as a Variant of Uncertain Significance.